The following is an entry in ClinVar:

NM_003848.4(SUCLG2):c.164G>A (p.Arg55Lys)

Gene: SUCLG2 (succinate-CoA ligase GDP-forming subunit beta; minus strand). Cytogenetic location: 3p14.1.
Variant type: single nucleotide variant.
Coding change: c.164G>A on transcript NM_003848.4 (MANE Select); coding-DNA position 164, G replaced by A.
Protein change: p.Arg55Lys; replaces arginine 55 with lysine.
Molecular consequence: missense variant.
Genome position (GRCh38, 1-based): chr3:67,609,517, C>T on the plus strand (G>A on the coding strand, the complement: SUCLG2 is on the minus strand). VCF-style: chr3-67609517-C-T. GRCh37 (hg19) VCF-style: chr3-67659941-C-T.
Other names: c.164G>A, p.Arg55Lys (NM_001177599.2); short protein forms R55K.
Identifiers: ClinVar variation 2304224 (VCV002304224.4), dbSNP rs768946685, ClinGen allele CA2486127.

ClinVar aggregate classification (germline): Conflicting classifications of pathogenicity. Review status: criteria provided, conflicting classifications (1 of 4 stars). 2 submissions from 2 submitters: Uncertain significance (1); Likely benign (1). Last evaluated 2025-06-18.

Allele frequency attached by ClinVar (database versions not stated): gnomAD exomes 0.00001; gnomAD 0.00001; TOPMed 0.00003; ExAC 0.00002.
gnomAD v4.1: 22 of 1,613,728 alleles (0.0014%); highest among the groups gnomAD compares: Middle Eastern, 0.017%; no homozygotes.

Submissions (2):

Labcorp Genetics (formerly Invitae), Labcorp
Classification: Uncertain significance. Last evaluated: 2025-06-18. Review status: criteria provided, single submitter. Criteria: Invitae Variant Classification Sherloc (09022015). Collection method: clinical testing. Allele origin: germline.
Comment: This sequence change replaces arginine, which is basic and polar, with lysine, which is basic and polar, at codon 55 of the SUCLG2 protein (p.Arg55Lys). This variant is present in population databases (rs768946685, gnomAD 0.04%). This variant has not been reported in the literature in individuals affected with SUCLG2-related conditions. ClinVar contains an entry for this variant (Variation ID: 2304224). An algorithm developed to predict the effect of missense changes on protein structure and function outputs the following: PolyPhen-2: "Benign". The lysine amino acid residue is found in multiple mammalian species, which suggests that this missense change does not adversely affect protein function. In summary, the available evidence is currently insufficient to determine the role of this variant in disease. Therefore, it has been classified as a Variant of Uncertain Significance.

Ambry Genetics
Classification: Likely benign. Last evaluated: 2022-05-27. Review status: criteria provided, single submitter. Criteria: Ambry Variant Classification Scheme 2023. Collection method: clinical testing. Allele origin: germline.